The following is an entry in ClinVar:

NM_177438.3(DICER1):c.4193A>C (p.Glu1398Ala)

Gene: DICER1 (dicer 1, ribonuclease III; minus strand). Cytogenetic location: 14q32.13.
Variant type: single nucleotide variant.
Coding change: c.4193A>C on transcript NM_177438.3 (MANE Select); coding-DNA position 4193, A replaced by C.
Protein change: p.Glu1398Ala; replaces glutamic acid 1398 with alanine.
Molecular consequence: missense variant. On other transcripts: non-coding transcript variant (6).
Genome position (GRCh38, 1-based): chr14:95,099,793, T>G on the plus strand (A>C on the coding strand, the complement: DICER1 is on the minus strand). VCF-style: chr14-95099793-T-G. GRCh37 (hg19) VCF-style: chr14-95566130-T-G.
Other names: c.4193A>C, p.Glu1398Ala (NM_001195573.1, NM_001271282.3, NM_001291628.2 and 12 more transcripts); c.3911A>C, p.Glu1304Ala (NM_001395686.1); c.3788A>C, p.Glu1263Ala (NM_001395687.1, NM_001395688.1, NM_001395689.1 and 2 more transcripts); c.3626A>C, p.Glu1209Ala (NM_001395691.1); c.2510A>C, p.Glu837Ala (NM_001395697.1); short protein forms E1209A, E1263A, E1304A, E1398A, E837A.
Identifiers: ClinVar variation 3611082 (VCV003611082.2).

ClinVar aggregate classification (germline): Uncertain significance (1 of 4 stars; one submission).

Conditions:
DICER1-related tumor predisposition. Also called: DICER1 syndrome; DICER1-related pleuropulmonary blastoma cancer predisposition syndrome. Identifiers: Orphanet 284343, MedGen C3839822, MONDO:0100216.

Submission:

Labcorp Genetics (formerly Invitae), Labcorp
Classification: Uncertain significance for DICER1-related tumor predisposition. Last evaluated: 2024-05-16. Review status: criteria provided, single submitter. Criteria: Invitae Variant Classification Sherloc (09022015). Collection method: clinical testing. Allele origin: germline.
Comment: This sequence change replaces glutamic acid, which is acidic and polar, with alanine, which is neutral and non-polar, at codon 1398 of the DICER1 protein (p.Glu1398Ala). This variant is not present in population databases (gnomAD no frequency). This variant has not been reported in the literature in individuals affected with DICER1-related conditions. Advanced modeling of protein sequence and biophysical properties (such as structural, functional, and spatial information, amino acid conservation, physicochemical variation, residue mobility, and thermodynamic stability) performed at Invitae indicates that this missense variant is not expected to disrupt DICER1 protein function with a negative predictive value of 80%. In summary, the available evidence is currently insufficient to determine the role of this variant in disease. Therefore, it has been classified as a Variant of Uncertain Significance.